The following is an entry in ClinVar:

NM_001318852.2(MAPK8IP3):c.2214_2215del (p.Leu739fs)

Gene: MAPK8IP3 (mitogen-activated protein kinase 8 interacting protein 3; plus strand). Cytogenetic location: 16p13.3.
Variant type: Deletion.
Coding change: c.2214_2215del on transcript NM_001318852.2 (MANE Select); coding-DNA positions 2214 to 2215, 2 bases deleted (CC; older notation c.2214_2215delCC).
Protein change: p.Leu739fs; shifts the reading frame from leucine 739.
Molecular consequence: frameshift variant.
Genome position (GRCh38, 1-based): chr16:1,764,393-1,764,394, CC deleted; deleting any 2 consecutive bases within chr16:1,764,391-1,764,394 gives the same sequence; the c. name uses the placement nearest the transcript's 3' end. VCF-style (leftmost placement, unchanged base first): chr16-1764390-TCC-T. GRCh37 (hg19) VCF-style: chr16-1814391-TCC-T.
Other names: c.2212_2213del (NM_001318852.2); c.2193_2194del, p.Leu732fs (NM_001040439.2); c.2211_2212del, p.Leu738fs (NM_015133.5); short protein forms L732fs, L738fs, L739fs.
Identifiers: ClinVar variation 4871843 (VCV004871843.1).
Genomic context (GRCh38, chr16:1,764,390, plus strand): 5'-CGGGTGGAGGCCCAATGAGGACGACGCTGGGAATGGAGTCAAGCCAGCGCCAGGCCGCGA[TCC>T]CCTGACCTGCGACCGCGAAGGAGACGGCGAGCCCAAGAGCGCCCACACGTCTCCCGAGAA-3'

ClinVar aggregate classification (germline): Pathogenic (1 of 4 stars; one submission).

Conditions:
Neurodevelopmental disorder with or without variable brain abnormalities; NEDBA. Also called: NEURODEVELOPMENTAL DISORDER WITH OR WITHOUT VARIABLE BRAIN ABNORMALITIES. Identifiers: MedGen C5193102, MONDO:0032755, OMIM 618443.

Submission:

Lupski Lab, Baylor-Hopkins CMG, Baylor College of Medicine
Classification: Pathogenic for Neurodevelopmental disorder with or without variable brain abnormalities; NEDBA. Review status: criteria provided, single submitter. Criteria: ACMG Guidelines, 2015. Collection method: research. Allele origin: de novo. Inheritance: Autosomal dominant inheritance. Affected: yes. Observed: 1 variant allele, 1 heterozygote.
Comment: The c.2212_2213del (p.Leu732AspfsTer27) variant in MAPK8IP3 (NM_001318852.2) results in a frameshift beginning at codon 732, introducing an aberrant reading frame that is predicted to terminate 27 codons downstream ([hg38] Chr16:1764394delCT). This de novo variant is expected to lead to either a truncated, non-functional JIP3 protein or degradation of the transcript via nonsense-mediated decay (NMD), possibly causing a null allele. Loss of function is a well-established mechanism of disease for MAPK8IP3, associated with neurodevelopmental disorder with or without variable brain abnormalities (NEDBA; MIM #618443). MAPK8IP3 is highly expressed in brain cells and encodes for the JIP3 protein, which functions as a scaffold/adapter protein linking cargo to dynein and kinesin motors and is important for multiple cellular processes in the developing brain. The majority of reported pathogenic MAPK8IP3 variants have arisen as de novo changes and have been linked to intellectual disability, developmental delay, and structural brain anomalies. This variant is absent from large population databases (gnomAD). In summary, the c.2212_2213del (p.Leu732AspfsTer27) variant in MAPK8IP3 is classified as pathogenic. ACMG criteria (Richards et al., 2015) PVS1 – Null variant in a gene where LoF is a known mechanism of disease. PS2 – De novo in a patient with phenotype consistency, no family history and both maternity and paternity are confirmed. PM2 - Not found in healthy population databases.

Literature cited by the submitters: PubMed 30612693; PubMed 30945334; PMC PMC12016931.